The following is an entry in ClinVar:

ClinVar aggregate classification (germline): Uncertain significance. Review status: criteria provided, multiple submitters, no conflicts (2 of 4 stars). 3 submissions from 3 submitters: Uncertain significance (3). Last evaluated 2024-06-26.

Conditions:
Inborn genetic diseases. Identifiers: MedGen C0950123, MeSH D030342.

Allele frequency attached by ClinVar (database versions not stated): ESP Exome Variant Server 0.00008; ExAC 0.00013; gnomAD 0.00013; TOPMed 0.00016.
gnomAD v4.1: 145 of 1,613,950 alleles (0.009%); highest among the groups gnomAD compares: Non-Finnish European, 0.011%; no homozygotes.

Submissions (3):

Blueprint Genetics
Classification: Uncertain significance. Last evaluated: 2024-06-26. Review status: criteria provided, single submitter. Criteria: ACMG Guidelines, 2015. Collection method: clinical testing. Allele origin: germline.

Labcorp Genetics (formerly Invitae), Labcorp
Classification: Uncertain significance. Last evaluated: 2022-07-23. Review status: criteria provided, single submitter. Criteria: Invitae Variant Classification Sherloc (09022015). Collection method: clinical testing. Allele origin: germline.
Comment: This sequence change replaces histidine, which is basic and polar, with aspartic acid, which is acidic and polar, at codon 460 of the DNAH9 protein (p.His460Asp). This variant is present in population databases (rs377142502, gnomAD 0.03%). This variant has not been reported in the literature in individuals affected with DNAH9-related conditions. Algorithms developed to predict the effect of missense changes on protein structure and function (SIFT, PolyPhen-2, Align-GVGD) all suggest that this variant is likely to be tolerated. In summary, the available evidence is currently insufficient to determine the role of this variant in disease. Therefore, it has been classified as a Variant of Uncertain Significance.

Ambry Genetics
Classification: Uncertain significance for Inborn genetic diseases. Last evaluated: 2021-09-15. Review status: criteria provided, single submitter. Criteria: Ambry Variant Classification Scheme 2023. Collection method: clinical testing. Allele origin: germline.

NM_001372.4(DNAH9):c.1378C>G (p.His460Asp)

Gene: DNAH9 (dynein axonemal heavy chain 9; plus strand). Cytogenetic location: 17p12.
Variant type: single nucleotide variant.
Coding change: c.1378C>G on transcript NM_001372.4 (MANE Select); coding-DNA position 1378, C replaced by G.
Protein change: p.His460Asp; replaces histidine 460 with aspartic acid.
Molecular consequence: missense variant.
Genome position (GRCh38, 1-based): chr17:11,629,444, C>G. VCF-style: chr17-11629444-C-G. GRCh37 (hg19) VCF-style: chr17-11532761-C-G.
Other names: c.1378C>G (NM_001372.3); short protein forms H460D.
Identifiers: ClinVar variation 2167082 (VCV002167082.3), dbSNP rs377142502, ClinGen allele CA8394834.
Genomic context (GRCh38, chr17:11,629,444, plus strand): 5'-TGATTTTAACTTTTTTGTGAATTGTCCCCATAGGGTCTTCTGAAGACGGCCCTGGATTTC[C>G]ACAAACTGGGAAAGGTGGAGTTCAGCGGCGTCAGAGGGAATGCTCTGAGTCAGCAGGTCC-3'
Protein context (NP_001363.2, residues 450-470): EGLLKTALDF[His460Asp]KLGKVEFSGV